The following is an entry in ClinVar:

ClinVar aggregate classification (germline): Uncertain significance. Review status: criteria provided, single submitter (1 of 4 stars). 2 submissions from 2 submitters: Uncertain significance (1). 1 of the submissions does not count toward it. Last evaluated 2022-10-24.

Allele frequency attached by ClinVar (database versions not stated): gnomAD exomes below 0.00001; TOPMed below 0.00001; gnomAD 0.00003 and 0.00004.
gnomAD v4.1: 6 of 1,612,466 alleles (0.00037%); highest among the groups gnomAD compares: African/African-American, 0.008%; no homozygotes.

Submissions (2):

Labcorp Genetics (formerly Invitae), Labcorp
Classification: Uncertain significance. Last evaluated: 2022-10-24. Review status: criteria provided, single submitter. Criteria: Invitae Variant Classification Sherloc (09022015). Collection method: clinical testing. Allele origin: germline.
Comment: In summary, the available evidence is currently insufficient to determine the role of this variant in disease. Therefore, it has been classified as a Variant of Uncertain Significance. Advanced modeling of protein sequence and biophysical properties (such as structural, functional, and spatial information, amino acid conservation, physicochemical variation, residue mobility, and thermodynamic stability) performed at Invitae indicates that this missense variant is not expected to disrupt FAT1 protein function. ClinVar contains an entry for this variant (Variation ID: 1049932). This variant has not been reported in the literature in individuals affected with FAT1-related conditions. This variant is present in population databases (no rsID available, gnomAD 0.02%). This sequence change replaces alanine, which is neutral and non-polar, with glycine, which is neutral and non-polar, at codon 1859 of the FAT1 protein (p.Ala1859Gly).

Department of Pathology and Laboratory Medicine, Sinai Health System
Classification: Uncertain significance. Review status: no assertion criteria provided. Collection method: clinical testing. Allele origin: unknown. Affected: yes. Study: The Canadian Open Genetics Repository (COGR). Not counted in ClinVar's aggregate classification.
Comment: The FAT1 p.A1859G variant was not identified in the literature nor was it identified in ClinVar. The variant was identified in dbSNP (ID: rs1457917178) and in control databases in 2 of 31402 chromosomes at a frequency of 0.00006369 (Genome Aggregation Database March 6, 2019, v2.1.1). The p.A1859 residue is conserved in mammals and computational analyses (MUT Assesor, PolyPhen-2, SIFT, MutationTaster, Revel, FATHMM, MetaLR, DANN) provide inconsistent predictions regarding the impact to the protein; this information is not very predictive of pathogenicity. The variant occurs outside of the splicing consensus sequence and in silico or computational prediction software programs (Splice AI exome) do not predict a difference in splicing. In summary, based on the above information the clinical significance of this variant cannot be determined with certainty at this time. This variant is classified as a variant of uncertain significance.

NM_005245.4(FAT1):c.5576C>G (p.Ala1859Gly)

Gene: FAT1 (FAT atypical cadherin 1; minus strand). Cytogenetic location: 4q35.2.
Variant type: single nucleotide variant.
Coding change: c.5576C>G on transcript NM_005245.4 (MANE Select); coding-DNA position 5576, C replaced by G.
Protein change: p.Ala1859Gly; replaces alanine 1859 with glycine.
Molecular consequence: missense variant.
Genome position (GRCh38, 1-based): chr4:186,621,010, G>C on the plus strand (C>G on the coding strand, the complement: FAT1 is on the minus strand). VCF-style: chr4-186621010-G-C. GRCh37 (hg19) VCF-style: chr4-187542164-G-C.
Other names: short protein forms A1859G.
Identifiers: ClinVar variation 1049932 (VCV001049932.9), dbSNP rs1457917178, ClinGen allele CA358972198.